The following is an entry in ClinVar:

ClinVar aggregate classification (germline): Uncertain significance (1 of 4 stars; one submission).

Conditions:
Malignant hyperthermia, susceptibility to, 1 (MHS1). Also called: RYR1-Related Malignant Hyperthermia Susceptibility; Anesthesia related hyperthermia; Malignant hyperpyrexia; Fulminating hyperpyrexia; Pharmacogenic myopathy; Malignant hyperthermia suceptibility 1. Identifiers: Orphanet 423, MedGen C2930980, MONDO:0007783, OMIM 145600.

Submission:

All of Us Research Program, National Institutes of Health
Classification: Uncertain significance for Malignant hyperthermia, susceptibility to, 1. Last evaluated: 2023-04-03. Review status: criteria provided, single submitter. Criteria: ACMG Guidelines, 2015. Collection method: clinical testing. Allele origin: germline. Inheritance: Autosomal dominant inheritance. Observed: 1 variant allele, 1 heterozygote.
Comment: This missense variant replaces threonine with serine at codon 3181 of the RYR1 protein. Computational prediction suggests that this variant may not impact protein structure and function (internally defined REVEL score threshold <= 0.5, PMID: 27666373). To our knowledge, functional studies have not been reported for this variant. This variant has not been reported in individuals affected with RYR1-related disorders in the literature. This variant has not been identified in the general population by the Genome Aggregation Database (gnomAD). The available evidence is insufficient to determine the role of this variant in disease conclusively. Therefore, this variant is classified as a Variant of Uncertain Significance.

This study involves interpretation of variants in research participants for the purpose of population health screening. Participant phenotype was not available at the time of variant classification. Additional details can be found in publication PMID: 35346344, PMCID: PMC8962531

NM_000540.3(RYR1):c.9541A>T (p.Thr3181Ser)

Gene: RYR1 (ryanodine receptor 1; plus strand). Cytogenetic location: 19q13.2.
Variant type: single nucleotide variant.
Coding change: c.9541A>T on transcript NM_000540.3 (MANE Select); coding-DNA position 9541, A replaced by T.
Protein change: p.Thr3181Ser; replaces threonine 3181 with serine.
Molecular consequence: missense variant.
Genome position (GRCh38, 1-based): chr19:38,515,094, A>T. VCF-style: chr19-38515094-A-T. GRCh37 (hg19) VCF-style: chr19-39005734-A-T.
Other names: c.9541A>T, p.Thr3181Ser (NM_001042723.2); short protein forms T3181S.
Identifiers: ClinVar variation 3070290 (VCV003070290.1), dbSNP rs2514419550, ClinGen allele CA405689011.